The following is an entry in ClinVar:

ClinVar aggregate classification (germline): Uncertain significance. Review status: criteria provided, multiple submitters, no conflicts (2 of 4 stars). 2 submissions from 2 submitters: Uncertain significance (2). Last evaluated 2024-06-26.

Allele frequency attached by ClinVar (database versions not stated): gnomAD 0.00001; TOPMed 0.00001.
gnomAD v4.1: 19 of 1,558,410 alleles (0.0012%); highest among the groups gnomAD compares: Middle Eastern, 0.017%; no homozygotes.

Submissions (2):

Ambry Genetics
Classification: Uncertain significance. Last evaluated: 2024-06-26. Review status: criteria provided, single submitter. Criteria: Ambry Variant Classification Scheme 2023. Collection method: clinical testing. Allele origin: germline.

Labcorp Genetics (formerly Invitae), Labcorp
Classification: Uncertain significance. Last evaluated: 2023-01-24. Review status: criteria provided, single submitter. Criteria: Invitae Variant Classification Sherloc (09022015). Collection method: clinical testing. Allele origin: germline.
Comment: This sequence change replaces glycine, which is neutral and non-polar, with aspartic acid, which is acidic and polar, at codon 952 of the ZNF687 protein (p.Gly952Asp). In summary, the available evidence is currently insufficient to determine the role of this variant in disease. Therefore, it has been classified as a Variant of Uncertain Significance. Algorithms developed to predict the effect of missense changes on protein structure and function (SIFT, PolyPhen-2, Align-GVGD) all suggest that this variant is likely to be tolerated. This variant has not been reported in the literature in individuals affected with ZNF687-related conditions. This variant is not present in population databases (gnomAD no frequency).

NM_020832.3(ZNF687):c.2855G>A (p.Gly952Asp)

Gene: ZNF687 (zinc finger protein 687; plus strand). Cytogenetic location: 1q21.3.
Variant type: single nucleotide variant.
Coding change: c.2855G>A on transcript NM_020832.3 (MANE Select); coding-DNA position 2855, G replaced by A.
Protein change: p.Gly952Asp; replaces glycine 952 with aspartic acid.
Molecular consequence: missense variant.
Genome position (GRCh38, 1-based): chr1:151,289,898, G>A. VCF-style: chr1-151289898-G-A. GRCh37 (hg19) VCF-style: chr1-151262374-G-A.
Other names: c.2855G>A (NM_020832.1); c.2855G>A, p.Gly952Asp (NM_001304763.2, NM_001304764.2); short protein forms G952D.
Identifiers: ClinVar variation 2776849 (VCV002776849.4), dbSNP rs757292463, ClinGen allele CA29523136.
Genomic context (GRCh38, chr1:151,289,898, plus strand): 5'-CCAGCTCCCCTGAGCCCCCCCGTCCAGCCAAACGGCCTCGGCGGGAACTAGGGAGCAAAG[G>A]CCTCAAGGGTGGGGGTGGGGGGCCTGGAGGCTGGACCTGTGGCCTGTGTCACTCCTGGTT-3'
Protein context (NP_065883.1, residues 942-962): KRPRRELGSK[Gly952Asp]LKGGGGGPGG